The following is an entry in ClinVar:

NM_000038.6(APC):c.4725A>G (p.Leu1575=)

Gene: APC (APC regulator of Wnt signaling pathway; plus strand). Cytogenetic location: 5q22.2.
Variant type: single nucleotide variant.
Coding change: c.4725A>G on transcript NM_000038.6 (MANE Select); coding-DNA position 4725, A replaced by G.
Protein change: p.Leu1575=; no amino-acid change (leucine 1575 retained).
Molecular consequence: synonymous variant.
Genome position (GRCh38, 1-based): chr5:112,840,319, A>G. VCF-style: chr5-112840319-A-G. GRCh37 (hg19) VCF-style: chr5-112176016-A-G.
Other names: c.4671A>G, p.Leu1557= (NM_001127511.3); c.4725A>G, p.Leu1575= (NM_001354895.2, NM_001127510.3); c.4755A>G, p.Leu1585= (NM_001354897.2); c.4650A>G, p.Leu1550= (NM_001354898.2); c.4602A>G, p.Leu1534= (NM_001354900.2); c.4548A>G, p.Leu1516= (NM_001354901.2); c.4641A>G, p.Leu1547= (NM_001354899.2); c.4779A>G, p.Leu1593= (NM_001354896.2); and 5 more.
Identifiers: ClinVar variation 389098 (VCV000389098.13), dbSNP rs1057523328, ClinGen allele CA16604782.
Genomic context (GRCh38, chr5:112,840,319, plus strand): 5'-AACTATTGATTCTGAAAAGGACCTATTAGATGATTCAGATGATGATGATATTGAAATACT[A>G]GAAGAATGTATTATTTCTGCCATGCCAACAAAGTCATCACGTAAAGCAAAAAAGCCAGCC-3'
Protein context (NP_000029.2, residues 1565-1585): DDSDDDDIEI[Leu1575=]EECIISAMPT

ClinVar aggregate classification (germline): Benign/Likely benign. Review status: criteria provided, multiple submitters, no conflicts (2 of 4 stars). 5 submissions from 5 submitters: Benign (1); Likely benign (4). Last evaluated 2024-05-01.

Conditions:
Hereditary cancer-predisposing syndrome. Also called: Hereditary Cancer Syndrome; Hereditary neoplastic syndrome; Neoplastic Syndromes, Hereditary; Tumor predisposition. Identifiers: Orphanet 140162, MedGen C0027672, MeSH D009386, MONDO:0015356.
Classic or attenuated familial adenomatous polyposis. Identifiers: MedGen CN372698, MONDO:0021057.
Familial adenomatous polyposis 1 (FAP1). Also called: FAMILIAL ADENOMATOUS POLYPOSIS 1, ATTENUATED; POLYPOSIS, ADENOMATOUS INTESTINAL. Identifiers: MedGen C2713442, MONDO:0021056, OMIM 175100. Disease mechanism: loss of function.

Allele frequency attached by ClinVar (database versions not stated): gnomAD below 0.00001 and 0.00001.
gnomAD v4.1: 1 of 1,614,084 alleles (0.000062%); highest among the groups gnomAD compares: South Asian, 0.0011%; no homozygotes.

Submissions (5):

Labcorp Genetics (formerly Invitae), Labcorp
Classification: Likely benign for Familial adenomatous polyposis 1. Last evaluated: 2024-05-01. Review status: criteria provided, single submitter. Criteria: Invitae Variant Classification Sherloc (09022015). Collection method: clinical testing. Allele origin: germline.

Myriad Genetics, Inc.
Classification: Benign for Familial adenomatous polyposis 1. Last evaluated: 2024-03-27. Review status: criteria provided, single submitter. Criteria: Myriad Autosomal Dominant, Autosomal Recessive and X-Linked Classification Criteria (2023). Collection method: clinical testing. Allele origin: unknown.
Comment: This variant is considered benign. This variant is a silent/synonymous amino acid change and it is not expected to impact splicing.

All of Us Research Program, National Institutes of Health
Classification: Likely benign for Classic or attenuated familial adenomatous polyposis. Last evaluated: 2024-02-05. Review status: criteria provided, single submitter. Criteria: ACMG Guidelines, 2015. Collection method: clinical testing. Allele origin: germline. Inheritance: Autosomal dominant inheritance. Observed: 1 variant allele, 1 heterozygote.
Comment: This study involves interpretation of variants in research participants for the purpose of population health screening. Participant phenotype was not available at the time of variant classification. Additional details can be found in publication PMID: 35346344, PMCID: PMC8962531

Ambry Genetics
Classification: Likely benign for Hereditary cancer-predisposing syndrome. Last evaluated: 2023-01-26. Review status: criteria provided, single submitter. Criteria: Ambry Variant Classification Scheme 2023. Collection method: clinical testing. Allele origin: germline.

GeneDx
Classification: Likely benign. Last evaluated: 2016-09-06. Review status: criteria provided, single submitter. Criteria: GeneDx Variant Classification (06012015). Collection method: clinical testing. Allele origin: germline. Affected: yes.
Comment: This variant is considered likely benign or benign based on one or more of the following criteria: it is a conservative change, it occurs at a poorly conserved position in the protein, it is predicted to be benign by multiple in silico algorithms, and/or has population frequency not consistent with disease.